The following is an entry in ClinVar:

ClinVar aggregate classification (germline): Conflicting classifications of pathogenicity. Review status: criteria provided, conflicting classifications (1 of 4 stars). 15 submissions from 15 submitters: Uncertain significance (3); Benign (2); Likely benign (8). 2 of the submissions do not count toward it. Last evaluated 2026-02-04.

Conditions:
TSC2-related disorder. Also called: TSC2-related condition; TSC2-Related Disorders.
Hereditary cancer-predisposing syndrome. Also called: Hereditary Cancer Syndrome; Tumor predisposition; Neoplastic Syndromes, Hereditary; Hereditary neoplastic syndrome. Identifiers: Orphanet 140162, MedGen C0027672, MeSH D009386, MONDO:0015356.
Tuberous sclerosis syndrome (TSC). Also called: Tuberous Sclerosis Complex; Tuberous sclerosis. Identifiers: Orphanet 805, MedGen C0041341, MONDO:0001734.
Tuberous sclerosis 2 (TSC2). Identifiers: Orphanet 805, MedGen C1860707, MONDO:0013199, OMIM 613254.

Allele frequency attached by ClinVar (database versions not stated): ExAC 0.00009; gnomAD exomes 0.00009 and 0.00011; gnomAD 0.00014; 1000 Genomes Project 30x 0.00016; 1000 Genomes Project 0.00020; TOPMed 0.00020; ESP Exome Variant Server 0.00038.
gnomAD v4.1: 156 of 1,603,280 alleles (0.0097%); highest among the groups gnomAD compares: East Asian, 0.034%; no homozygotes.

Submissions (15):

Labcorp Genetics (formerly Invitae), Labcorp
Classification: Benign for Tuberous sclerosis 2. Last evaluated: 2026-02-04. Review status: criteria provided, single submitter. Criteria: Invitae Variant Classification Sherloc (09022015). Collection method: clinical testing. Allele origin: germline.

Athena Diagnostics
Classification: Likely benign. Last evaluated: 2025-09-03. Review status: criteria provided, single submitter. Criteria: Athena Diagnostics Criteria. Collection method: clinical testing. Allele origin: unknown.
Comment: The frequency of this variant in the general population is higher than would generally be expected for pathogenic variants in this gene.

Myriad Genetics, Inc.
Classification: Likely benign for Tuberous sclerosis 2. Last evaluated: 2025-06-06. Review status: criteria provided, single submitter. Criteria: Myriad Autosomal Dominant, Autosomal Recessive and X-Linked Classification Criteria (2023). Collection method: clinical testing. Allele origin: unknown.
Comment: This variant is considered likely benign. This variant has been observed at a population frequency that is significantly greater than expected given the associated disease prevalence and penetrance.

CeGaT Center for Human Genetics Tuebingen
Classification: Likely benign. Last evaluated: 2024-09-01. Review status: criteria provided, single submitter. Criteria: CeGaT Center For Human Genetics Tuebingen Variant Classification Criteria Version 2. Collection method: clinical testing. Allele origin: germline. Affected: yes. Observed: 1 variant allele.
Comment: TSC2: BS1

ARUP Laboratories, Molecular Genetics and Genomics, ARUP Laboratories
Classification: Uncertain significance. Last evaluated: 2024-04-09. Review status: criteria provided, single submitter. Criteria: ARUP Molecular Germline Variant Investigation Process 2024. Collection method: clinical testing. Allele origin: germline.
Comment: The TSC2 c.5185C>T; p.Arg1729Cys variant (rs45517409), to our knowledge, is not reported in the medical literature in TSC-related conditions but is reported in ClinVar (Variation ID: 49867). This variant is found in the general population with an overall allele frequency of 0.01% (31/280,316 alleles) in the Genome Aggregation Database (v2.1.1). Computational analyses predict that this variant is deleterious (REVEL: 0.789). While the high population frequency suggests that this is likely a benign variant, given the lack of clinical and functional data, the significance of this variant is uncertain at this time.

Color Diagnostics, LLC DBA Color Health
Classification: Uncertain significance for Tuberous sclerosis syndrome. Last evaluated: 2024-01-30. Review status: criteria provided, single submitter. Criteria: ACMG Guidelines, 2015. Collection method: clinical testing. Allele origin: germline.
Comment: This missense variant replaces arginine with cysteine at codon 1729 of the TSC2 protein. Computational prediction suggests that this variant may have deleterious impact on protein structure and function. To our knowledge, functional studies have not been reported for this variant. This variant has been reported in an individual affected with possible tuberous sclerosis complex (PMID: 32917966). This variant has been identified in 31/280316 chromosomes in the general population by the Genome Aggregation Database (gnomAD). The available evidence is insufficient to determine the role of this variant in disease conclusively. Therefore, this variant is classified as a Variant of Uncertain Significance.

Blueprint Genetics
Classification: Likely benign. Last evaluated: 2024-01-23. Review status: criteria provided, single submitter. Criteria: ACMG Guidelines, 2015. Collection method: clinical testing. Allele origin: germline.

Quest Diagnostics Nichols Institute San Juan Capistrano
Classification: Likely benign. Last evaluated: 2022-09-13. Review status: criteria provided, single submitter. Criteria: Quest Diagnostics criteria. Collection method: clinical testing. Allele origin: unknown.
Comment: the same text as in the submission from Athena Diagnostics above.

Genome-Nilou Lab
Classification: Likely benign for Tuberous sclerosis 2. Last evaluated: 2021-11-07. Review status: criteria provided, single submitter. Criteria: ACMG Guidelines, 2015. Collection method: clinical testing. Allele origin: germline. Affected: no.

Institute for Clinical Genetics, University Hospital TU Dresden, University Hospital TU Dresden
Classification: Uncertain significance. Last evaluated: 2021-11-03. Review status: criteria provided, single submitter. Criteria: ACMG Guidelines, 2015. Collection method: clinical testing. Allele origin: germline.

Sema4
Classification: Benign for Hereditary cancer-predisposing syndrome. Last evaluated: 2021-06-05. Review status: criteria provided, single submitter. Criteria: Sema4 Curation Guidelines. Collection method: curation. Allele origin: germline.

GeneDx
Classification: Likely benign. Last evaluated: 2020-10-16. Review status: criteria provided, single submitter. Criteria: GeneDx Variant Classification Process June 2021. Collection method: clinical testing. Allele origin: germline. Affected: yes.

Ambry Genetics
Classification: Likely benign for Hereditary cancer-predisposing syndrome. Last evaluated: 2018-06-08. Review status: criteria provided, single submitter. Criteria: Ambry Variant Classification Scheme 2023. Collection method: clinical testing. Allele origin: germline.

PreventionGenetics, part of Exact Sciences
Classification: Likely benign for TSC2-related condition. Last evaluated: 2023-05-21. Review status: no assertion criteria provided. Collection method: clinical testing. Allele origin: germline. Not counted in ClinVar's aggregate classification.
Comment: This variant is classified as likely benign based on ACMG/AMP sequence variant interpretation guidelines (Richards et al. 2015 PMID: 25741868, with internal and published modifications).

Tuberous sclerosis database (TSC2)
No classification provided. Condition: TSC. Review status: no classification provided. Criteria: Tuberous Sclerosis Database Assertion Criteria 2015. Collection method: curation. Allele origin: germline. Affected: yes. Not counted in ClinVar's aggregate classification.

Literature cited by the submitters: PubMed 32917966 (cited by Athena Diagnostics and Color Diagnostics, LLC DBA Color Health).

NM_000548.5(TSC2):c.5185C>T (p.Arg1729Cys)

Gene: TSC2 (TSC complex subunit 2; plus strand). Cytogenetic location: 16p13.3.
Variant type: single nucleotide variant.
Coding change: c.5185C>T on transcript NM_000548.5 (MANE Select); coding-DNA position 5185, C replaced by T.
Protein change: p.Arg1729Cys; replaces arginine 1729 with cysteine.
Molecular consequence: missense variant.
Genome position (GRCh38, 1-based): chr16:2,088,251, C>T. VCF-style: chr16-2088251-C-T. GRCh37 (hg19) VCF-style: chr16-2138252-C-T.
Other names: c.4984C>T, p.Arg1662Cys (NM_001077183.3); c.5116C>T, p.Arg1706Cys (NM_001114382.3); c.4876C>T, p.Arg1626Cys (NM_001318827.2); c.4840C>T, p.Arg1614Cys (NM_001318829.2); c.4453C>T, p.Arg1485Cys (NM_001318831.2); c.5017C>T, p.Arg1673Cys (NM_001318832.2); c.4987C>T, p.Arg1663Cys (NM_001363528.2); c.5053C>T, p.Arg1685Cys (NM_001370404.1); and 3 more; short protein forms R1729C, R1626C, R1673C, R1614C, R1685C, R1686C, R1682C, R1485C.
Identifiers: ClinVar variation 49867 (VCV000049867.41), dbSNP rs45517409, ClinGen allele CA022096.
Genomic context (GRCh38, chr16:2,088,251, plus strand): 5'-CCTGATAGTGAGCTCACCCCCTGCCTACGTCCCCAGATGGCCTCACAGGTGCATCATAGC[C>T]GCTCCAACCCCACCGATATCTACCCCTCCAAGTGGATTGCCCGGCTCCGCCACATCAAGC-3'
Protein context (NP_000539.2, residues 1719-1739): ANMASQVHHS[Arg1729Cys]SNPTDIYPSK